The following is an entry in ClinVar:

ClinVar aggregate classification (germline): Pathogenic (1 of 4 stars; one submission).

Allele frequency attached by ClinVar (database versions not stated): gnomAD 0.00001.
gnomAD v4.1: 11 of 1,482,982 alleles (0.00074%); highest among the groups gnomAD compares: South Asian, 0.0026%; no homozygotes.

Submission:

Labcorp Genetics (formerly Invitae), Labcorp
Classification: Pathogenic. Last evaluated: 2024-11-17. Review status: criteria provided, single submitter. Criteria: Invitae Variant Classification Sherloc (09022015). Collection method: clinical testing. Allele origin: germline.
Comment: This sequence change creates a premature translational stop signal (p.Gly51*) in the NDUFAF6 gene. It is expected to result in an absent or disrupted protein product. Loss-of-function variants in NDUFAF6 are known to be pathogenic (PMID: 28639102, 30642748). The frequency data for this variant in the population databases is considered unreliable, as metrics indicate poor data quality at this position in the gnomAD database. This variant has not been reported in the literature in individuals affected with NDUFAF6-related conditions. ClinVar contains an entry for this variant (Variation ID: 1919780). For these reasons, this variant has been classified as Pathogenic.

Literature cited by the submitters: PubMed 28639102; PubMed 30642748.

NM_152416.4(NDUFAF6):c.151G>T (p.Gly51Ter)

Genes: NDUFAF6 (NADH:ubiquinone oxidoreductase complex assembly factor 6; plus strand), LOC113788297 (Sharpr-MPRA regulatory region 2014; plus strand). Cytogenetic location: 8q22.1.
Variant type: single nucleotide variant.
Coding change: c.151G>T on transcript NM_152416.4 (MANE Select); coding-DNA position 151, G replaced by T.
Protein change: p.Gly51Ter; replaces glycine 51 with a stop codon.
Molecular consequence: nonsense. On other transcripts: 5 prime UTR variant (12), non-coding transcript variant (6), intron variant (7).
Genome position (GRCh38, 1-based): chr8:95,025,159, G>T. VCF-style: chr8-95025159-G-T. GRCh37 (hg19) VCF-style: chr8-96037387-G-T.
Other names: c.-130G>T (NM_001330582.2, NM_001354521.2); c.-83G>T (NM_001354517.2); c.-302G>T (NM_001354518.2); c.-298G>T (NM_001354519.2); c.-647G>T (NM_001354527.2); c.-618G>T (NM_001354528.2); c.-430G>T (NM_001354529.2); c.-532G>T (NM_001354530.2); and 8 more; short protein forms G51*.
Identifiers: ClinVar variation 1919780 (VCV001919780.5), dbSNP rs868345341, ClinGen allele CA371742927.